The following is an entry in ClinVar:

ClinVar aggregate classification (germline): Uncertain significance (1 of 4 stars; one submission).

Conditions:
Hereditary cancer-predisposing syndrome. Also called: Neoplastic Syndromes, Hereditary; Tumor predisposition; Hereditary Cancer Syndrome; Hereditary neoplastic syndrome. Identifiers: Orphanet 140162, MedGen C0027672, MeSH D009386, MONDO:0015356.

Submission:

Ambry Genetics
Classification: Uncertain significance for Hereditary cancer-predisposing syndrome. Last evaluated: 2026-03-18. Review status: criteria provided, single submitter. Criteria: Ambry Variant Classification Scheme 2023. Collection method: clinical testing. Allele origin: germline.
Comment: The p.P968R variant (also known as c.2903C>G), located in coding exon 18 of the PTCH1 gene, results from a C to G substitution at nucleotide position 2903. The proline at codon 968 is replaced by arginine, an amino acid with dissimilar properties. This amino acid position is highly conserved in available vertebrate species. In addition, this alteration is predicted to be deleterious by in silico analysis. Based on the available evidence, the clinical significance of this variant remains unclear.

NM_000264.5(PTCH1):c.2903C>G (p.Pro968Arg)

Gene: PTCH1 (patched 1; minus strand). Cytogenetic location: 9q22.32.
Variant type: single nucleotide variant.
Coding change: c.2903C>G on transcript NM_000264.5 (MANE Select); coding-DNA position 2903, C replaced by G.
Protein change: p.Pro968Arg; replaces proline 968 with arginine.
Molecular consequence: missense variant. On other transcripts: non-coding transcript variant (1).
Genome position (GRCh38, 1-based): chr9:95,458,278, G>C on the plus strand (C>G on the coding strand, the complement: PTCH1 is on the minus strand). VCF-style: chr9-95458278-G-C. GRCh37 (hg19) VCF-style: chr9-98220560-G-C.
Other names: c.2705C>G, p.Pro902Arg (NM_001083602.3); c.2900C>G, p.Pro967Arg (NM_001083603.3); c.2450C>G, p.Pro817Arg (NM_001083604.3, NM_001083605.3, NM_001083606.3 and 1 more transcripts); c.2747C>G, p.Pro916Arg (NM_001354918.2); short protein forms P817R, P902R, P916R, P967R, P968R.
Identifiers: ClinVar variation 4862634 (VCV004862634.1).
Genomic context (GRCh38, chr9:95,458,278, plus strand): 5'-ACAAAGTCTGAGGTGTCCCGCAAGCCGTTGAGGTAGAAAGGGAACTGGGCATACTCGATG[G>C]GCTCTGCTGCCGGGACTGGACAGAGAAGGGCACAGGTTAGGAGCAGCCCAGGGTAGAAGA-3'
Protein context (NP_000255.2, residues 958-978): ETRLRIPAAE[Pro968Arg]IEYAQFPFYL